The following is an entry in ClinVar:

ClinVar aggregate classification (germline): Uncertain significance. Review status: criteria provided, multiple submitters, no conflicts (2 of 4 stars). 3 submissions from 3 submitters: Uncertain significance (3). Last evaluated 2025-01-08.

Conditions:
Catecholaminergic polymorphic ventricular tachycardia (CVPT). Also called: Catecholamine-induced polymorphic ventricular tachycardia. Identifiers: Orphanet 3286, MedGen C5574922, MONDO:0017990.
Cardiomyopathy (CMYO). Also called: Cardiomyopathies. Identifiers: Orphanet 167848, MedGen C0878544, MONDO:0004994, HP:0001638. Inheritance: Various modes of inheritance.
Catecholaminergic polymorphic ventricular tachycardia 1. Also called: VENTRICULAR TACHYCARDIA, STRESS-INDUCED POLYMORPHIC 1; VENTRICULAR TACHYCARDIA, CATECHOLAMINERGIC POLYMORPHIC, 1, WITH OR WITHOUT ATRIAL DYSFUNCTION AND/OR DILATED CARDIOMYOPATHY; RYR2-Related Catecholaminergic Polymorphic Ventricular Tachycardia. Identifiers: Orphanet 3286, MedGen C1631597, MONDO:0011484, OMIM 604772.

Submissions (3):

Labcorp Genetics (formerly Invitae), Labcorp
Classification: Uncertain significance for Catecholaminergic polymorphic ventricular tachycardia 1. Last evaluated: 2025-01-08. Review status: criteria provided, single submitter. Criteria: Invitae Variant Classification Sherloc (09022015). Collection method: clinical testing. Allele origin: germline.
Comment: This sequence change replaces valine, which is neutral and non-polar, with leucine, which is neutral and non-polar, at codon 4410 of the RYR2 protein (p.Val4410Leu). This variant is not present in population databases (gnomAD no frequency). This variant has not been reported in the literature in individuals affected with RYR2-related conditions. ClinVar contains an entry for this variant (Variation ID: 2774403). Invitae Evidence Modeling of protein sequence and biophysical properties (such as structural, functional, and spatial information, amino acid conservation, physicochemical variation, residue mobility, and thermodynamic stability) indicates that this missense variant is not expected to disrupt RYR2 protein function with a negative predictive value of 95%. In summary, the available evidence is currently insufficient to determine the role of this variant in disease. Therefore, it has been classified as a Variant of Uncertain Significance.

Color Diagnostics, LLC DBA Color Health
Classification: Uncertain significance for Cardiomyopathy. Last evaluated: 2024-03-07. Review status: criteria provided, single submitter. Criteria: ACMG Guidelines, 2015. Collection method: clinical testing. Allele origin: germline.
Comment: This missense variant replaces valine with leucine at codon 4410 of the RYR2 protein. Computational prediction suggests that this variant may not impact protein structure and function (internally defined REVEL score threshold <= 0.5, PMID: 27666373). To our knowledge, functional studies have not been reported for this variant. This variant has not been reported in individuals affected with RYR2-related disorders in the literature. This variant has not been identified in the general population by the Genome Aggregation Database (gnomAD). The available evidence is insufficient to determine the role of this variant in disease conclusively. Therefore, this variant is classified as a Variant of Uncertain Significance.

All of Us Research Program, National Institutes of Health
Classification: Uncertain significance for Catecholaminergic polymorphic ventricular tachycardia. Last evaluated: 2023-06-26. Review status: criteria provided, single submitter. Criteria: ACMG Guidelines, 2015. Collection method: clinical testing. Allele origin: germline. Inheritance: Autosomal dominant inheritance. Observed: 1 variant allele, 1 heterozygote.
Comment: This missense variant replaces valine with leucine at codon 4410 of the RYR2 protein. Computational prediction suggests that this variant may not impact protein structure and function (internally defined REVEL score threshold <= 0.5, PMID: 27666373). To our knowledge, functional studies have not been reported for this variant. This variant has not been reported in individuals affected with RYR2-related disorders in the literature. This variant has not been identified in the general population by the Genome Aggregation Database (gnomAD). The available evidence is insufficient to determine the role of this variant in disease conclusively. Therefore, this variant is classified as a Variant of Uncertain Significance.

This study involves interpretation of variants in research participants for the purpose of population health screening. Participant phenotype was not available at the time of variant classification. Additional details can be found in publication PMID: 35346344, PMCID: PMC8962531

NM_001035.3(RYR2):c.13228G>C (p.Val4410Leu)

Genes: RYR2 (ryanodine receptor 2; plus strand), LOC126806068 (BRD4-independent group 4 enhancer GRCh37_chr1:237947411-237948610; plus strand). Cytogenetic location: 1q43.
Variant type: single nucleotide variant.
Coding change: c.13228G>C on transcript NM_001035.3 (MANE Select); coding-DNA position 13228, G replaced by C.
Protein change: p.Val4410Leu; replaces valine 4410 with leucine.
Molecular consequence: missense variant.
Genome position (GRCh38, 1-based): chr1:237,784,940, G>C. VCF-style: chr1-237784940-G-C. GRCh37 (hg19) VCF-style: chr1-237948240-G-C.
Other names: short protein forms V4410L.
Identifiers: ClinVar variation 2774403 (VCV002774403.5), dbSNP rs1695426245, ClinGen allele CA345415628.